The following is an entry in ClinVar:

NM_014000.3(VCL):c.2143G>A (p.Glu715Lys)

Gene: VCL (vinculin; plus strand). Cytogenetic location: 10q22.2.
Variant type: single nucleotide variant.
Coding change: c.2143G>A on transcript NM_014000.3 (MANE Select); coding-DNA position 2143, G replaced by A.
Protein change: p.Glu715Lys; replaces glutamic acid 715 with lysine.
Molecular consequence: missense variant.
Genome position (GRCh38, 1-based): chr10:74,105,062, G>A. VCF-style: chr10-74105062-G-A. GRCh37 (hg19) VCF-style: chr10-75864820-G-A.
Other names: c.2143G>A, p.Glu715Lys (NM_003373.4); short protein forms E715K.
Identifiers: ClinVar variation 626457 (VCV000626457.15), dbSNP rs1022329091, ClinGen allele CA209694093.

ClinVar aggregate classification (germline): Uncertain significance. Review status: criteria provided, multiple submitters, no conflicts (2 of 4 stars). 3 submissions from 3 submitters: Uncertain significance (3). Last evaluated 2024-10-10.

Conditions:
Cardiomyopathy (CMYO). Also called: Cardiomyopathies. Identifiers: Orphanet 167848, MedGen C0878544, MONDO:0004994, HP:0001638. Inheritance: Various modes of inheritance.
Cardiovascular phenotype. Identifiers: MedGen CN230736.
Dilated cardiomyopathy 1W (CMD1W). Identifiers: Orphanet 154, MedGen C1969639, MONDO:0012667, OMIM 611407.

Allele frequency attached by ClinVar (database versions not stated): gnomAD exomes below 0.00001.
gnomAD v4.1: 5 of 1,614,124 alleles (0.00031%); highest among the groups gnomAD compares: South Asian, 0.0011%; no homozygotes.

Submissions (3):

Labcorp Genetics (formerly Invitae), Labcorp
Classification: Uncertain significance for Dilated cardiomyopathy 1W. Last evaluated: 2024-10-10. Review status: criteria provided, single submitter. Criteria: Invitae Variant Classification Sherloc (09022015). Collection method: clinical testing. Allele origin: germline.
Comment: This sequence change replaces glutamic acid, which is acidic and polar, with lysine, which is basic and polar, at codon 715 of the VCL protein (p.Glu715Lys). This variant is present in population databases (no rsID available, gnomAD 0.003%). This variant has not been reported in the literature in individuals affected with VCL-related conditions. ClinVar contains an entry for this variant (Variation ID: 626457). An algorithm developed to predict the effect of missense changes on protein structure and function (PolyPhen-2) suggests that this variant is likely to be disruptive. In summary, the available evidence is currently insufficient to determine the role of this variant in disease. Therefore, it has been classified as a Variant of Uncertain Significance.

Ambry Genetics
Classification: Uncertain significance for Cardiovascular phenotype. Last evaluated: 2020-11-30. Review status: criteria provided, single submitter. Criteria: Ambry Variant Classification Scheme 2023. Collection method: clinical testing. Allele origin: germline.
Comment: The p.E715K variant (also known as c.2143G>A), located in coding exon 16 of the VCL gene, results from a G to A substitution at nucleotide position 2143. The glutamic acid at codon 715 is replaced by lysine, an amino acid with similar properties. This amino acid position is highly conserved in available vertebrate species. In addition, the in silico prediction for this alteration is inconclusive. Since supporting evidence is limited at this time, the clinical significance of this alteration remains unclear.

CHEO Genetics Diagnostic Laboratory, Children's Hospital of Eastern Ontario
Classification: Uncertain significance for Cardiomyopathy. Last evaluated: 2020-01-27. Review status: criteria provided, single submitter. Criteria: ACMG Guidelines, 2015. Collection method: clinical testing. Allele origin: germline.